The following is an entry in ClinVar:

ClinVar aggregate classification (germline): Uncertain significance. Review status: criteria provided, multiple submitters, no conflicts (2 of 4 stars). 4 submissions from 4 submitters: Uncertain significance (4). Last evaluated 2023-12-05.

Conditions:
Hereditary cancer-predisposing syndrome. Also called: Tumor predisposition; Neoplastic Syndromes, Hereditary; Hereditary Cancer Syndrome; Hereditary neoplastic syndrome. Identifiers: Orphanet 140162, MedGen C0027672, MeSH D009386, MONDO:0015356.
Peutz-Jeghers syndrome (PJS). Also called: POLYPOSIS, HAMARTOMATOUS INTESTINAL; POLYPS-AND-SPOTS SYNDROME; Peutz-Jeghers polyposis; Periorificial lentiginosis syndrome. Identifiers: Orphanet 2869, MedGen C0031269, MeSH D010580, MONDO:0008280, OMIM 175200.

Submissions (4):

Color Diagnostics, LLC DBA Color Health
Classification: Uncertain significance for Hereditary cancer-predisposing syndrome. Last evaluated: 2023-12-05. Review status: criteria provided, single submitter. Criteria: ACMG Guidelines, 2015. Collection method: clinical testing. Allele origin: germline.
Comment: This missense variant replaces serine with arginine at codon 422 of the STK11 protein. Computational prediction suggests that this variant may not impact protein structure and function (internally defined REVEL score threshold <= 0.5, PMID: 27666373). To our knowledge, functional studies have not been reported for this variant. This variant has not been reported in individuals affected with STK11-related disorders in the literature. This variant has not been identified in the general population by the Genome Aggregation Database (gnomAD). The available evidence is insufficient to determine the role of this variant in disease conclusively. Therefore, this variant is classified as a Variant of Uncertain Significance.

Ambry Genetics
Classification: Uncertain significance for Hereditary cancer-predisposing syndrome. Last evaluated: 2023-05-14. Review status: criteria provided, single submitter. Criteria: Ambry Variant Classification Scheme 2023. Collection method: clinical testing. Allele origin: germline.
Comment: The p.S422R variant (also known as c.1264A>C), located in coding exon 9 of the STK11 gene, results from an A to C substitution at nucleotide position 1264. The serine at codon 422 is replaced by arginine, an amino acid with dissimilar properties. This amino acid position is conserved. In addition, this alteration is predicted to be tolerated by in silico analysis. Since supporting evidence is limited at this time, the clinical significance of this alteration remains unclear.

Labcorp Genetics (formerly Invitae), Labcorp
Classification: Uncertain significance for Peutz-Jeghers syndrome. Last evaluated: 2022-04-08. Review status: criteria provided, single submitter. Criteria: Invitae Variant Classification Sherloc (09022015). Collection method: clinical testing. Allele origin: germline.
Comment: ClinVar contains an entry for this variant (Variation ID: 490161). Advanced modeling of protein sequence and biophysical properties (such as structural, functional, and spatial information, amino acid conservation, physicochemical variation, residue mobility, and thermodynamic stability) performed at Invitae indicates that this missense variant is not expected to disrupt STK11 protein function. In summary, the available evidence is currently insufficient to determine the role of this variant in disease. Therefore, it has been classified as a Variant of Uncertain Significance. This variant has not been reported in the literature in individuals affected with STK11-related conditions. This sequence change replaces serine, which is neutral and polar, with arginine, which is basic and polar, at codon 422 of the STK11 protein (p.Ser422Arg). This variant is not present in population databases (gnomAD no frequency).

Genome-Nilou Lab
Classification: Uncertain significance for Peutz-Jeghers syndrome. Last evaluated: 2021-07-15. Review status: criteria provided, single submitter. Criteria: ACMG Guidelines, 2015. Collection method: clinical testing. Allele origin: germline. Affected: no.

NM_000455.5(STK11):c.1264A>C (p.Ser422Arg)

Gene: STK11 (serine/threonine kinase 11; plus strand). Cytogenetic location: 19p13.3.
Variant type: single nucleotide variant.
Coding change: c.1264A>C on transcript NM_000455.5 (MANE Select); coding-DNA position 1264, A replaced by C.
Protein change: p.Ser422Arg; replaces serine 422 with arginine.
Molecular consequence: missense variant.
Genome position (GRCh38, 1-based): chr19:1,226,609, A>C. VCF-style: chr19-1226609-A-C. GRCh37 (hg19) VCF-style: chr19-1226608-A-C.
Other names: short protein forms S422R.
Identifiers: ClinVar variation 490161 (VCV000490161.18), dbSNP rs1555740263, ClinGen allele CA402954106.